The following is an entry in ClinVar:

ClinVar aggregate classification (germline): Uncertain significance (1 of 4 stars; one submission).

Conditions:
Hyperammonemic encephalopathy due to carbonic anhydrase VA deficiency. Also called: Carbonic Anhydrase VA Deficiency; Carbonic anhydrase VA deficiency, hyperammonemia due to. Identifiers: Orphanet 401948, MedGen C4706871, MONDO:0014332, OMIM 615751.

Submission:

Labcorp Genetics (formerly Invitae), Labcorp
Classification: Uncertain significance for Hyperammonemic encephalopathy due to carbonic anhydrase VA deficiency. Last evaluated: 2022-05-28. Review status: criteria provided, single submitter. Criteria: Invitae Variant Classification Sherloc (09022015). Collection method: clinical testing. Allele origin: germline.
Comment: In summary, the available evidence is currently insufficient to determine the role of this variant in disease. Therefore, it has been classified as a Variant of Uncertain Significance. Experimental studies and prediction algorithms are not available or were not evaluated, and the functional significance of this variant is currently unknown. This variant has not been reported in the literature in individuals affected with CA5A-related conditions. This variant is a gross deletion of the genomic region encompassing exon(s) 2 of the CA5A gene. This variant would be expected to be in-frame, preserving the integrity of the reading frame.

NC_000016.9:g.(?_87960334)_(87960571_?)del

Gene: CA5A (carbonic anhydrase 5A; minus strand). Cytogenetic location: 16q24.2.
Variant type: Deletion.
Identifiers: ClinVar variation 2424225 (VCV002424225.4).